The following is an entry in ClinVar:

NM_001048174.2(MUTYH):c.973C>G (p.Leu325Val)

Gene: MUTYH (mutY DNA glycosylase; minus strand). Cytogenetic location: 1p34.1.
Variant type: single nucleotide variant.
Coding change: c.973C>G on transcript NM_001048174.2 (MANE Select); coding-DNA position 973, C replaced by G.
Protein change: p.Leu325Val; replaces leucine 325 with valine.
Molecular consequence: missense variant. On other transcripts: non-coding transcript variant (7).
Genome position (GRCh38, 1-based): chr1:45,331,790, G>C on the plus strand (C>G on the coding strand, the complement: MUTYH is on the minus strand). VCF-style: chr1-45331790-G-C. GRCh37 (hg19) VCF-style: chr1-45797462-G-C.
Other names: c.973C>G, p.Leu325Val (NM_001048171.2, NM_001048173.2, NM_001293195.2 and 6 more transcripts); c.976C>G, p.Leu326Val (NM_001048172.2, NM_001407071.1, NM_001407078.1 and 1 more transcripts); c.1057C>G, p.Leu353Val (NM_001128425.2); c.1018C>G, p.Leu340Val (NM_001293190.2); c.1006C>G, p.Leu336Val (NM_001293191.2, NM_001407069.1, NM_001407077.1); c.697C>G, p.Leu233Val (NM_001293192.2, NM_001293196.2, NM_001407091.1); c.628C>G, p.Leu210Val (NM_001350650.2, NM_001350651.2, NM_001407082.1); c.889C>G, p.Leu297Val (NM_001407075.1); and 5 more; short protein forms L210V, L233V, L297V, L332V, L339V, L353V, L311V, L312V.
Identifiers: ClinVar variation 2567635 (VCV002567635.5), dbSNP rs1570386293, ClinGen allele CA340133729.
Genomic context (GRCh38, chr1:45,331,790, plus strand): 5'-CAGAGCTCTCCTCCCTGGGGGGCTTGCGGCTGGCCTTTCTGGGGAAGTTGACCACTCCCA[G>C]GGTCTGGTCCCAGGGCTCCGAGGGAGGCAGGCACAGGTGGCACTGTCCAGTGTTGGGAGC-3'
Protein context (NP_001041639.1, residues 315-335): LPPSEPWDQT[Leu325Val]GVVNFPRKAS

ClinVar aggregate classification (germline): Conflicting classifications of pathogenicity. Review status: criteria provided, conflicting classifications (1 of 4 stars). 2 submissions from 2 submitters: Uncertain significance (1); Benign (1). Last evaluated 2025-09-09.

Conditions:
Hereditary cancer-predisposing syndrome. Also called: Hereditary neoplastic syndrome; Hereditary Cancer Syndrome; Neoplastic Syndromes, Hereditary; Tumor predisposition. Identifiers: Orphanet 140162, MedGen C0027672, MeSH D009386, MONDO:0015356.

Submissions (2):

Ambry Genetics
Classification: Benign for Hereditary cancer-predisposing syndrome. Last evaluated: 2025-09-09. Review status: criteria provided, single submitter. Criteria: Ambry Variant Classification Scheme 2023. Collection method: clinical testing. Allele origin: germline.

Color Diagnostics, LLC DBA Color Health
Classification: Uncertain significance for Hereditary cancer-predisposing syndrome. Last evaluated: 2023-06-13. Review status: criteria provided, single submitter. Criteria: ACMG Guidelines, 2015. Collection method: clinical testing. Allele origin: germline.
Comment: This missense variant replaces leucine with valine at codon 353 of the MUTYH protein. Computational prediction suggests that this variant may not impact protein structure and function (internally defined REVEL score threshold <= 0.5, PMID: 27666373). To our knowledge, functional studies have not been reported for this variant. This variant has not been reported in individuals affected with MUTYH-related disorders in the literature. This variant has not been identified in the general population by the Genome Aggregation Database (gnomAD). The available evidence is insufficient to determine the role of this variant in disease conclusively. Therefore, this variant is classified as a Variant of Uncertain Significance.

Literature cited by the submitters: PubMed 40738107 (cited by Ambry Genetics).